The following is an entry in ClinVar:

NM_007194.4(CHEK2):c.661A>C (p.Ile221Leu)

Gene: CHEK2 (checkpoint kinase 2; minus strand). Cytogenetic location: 22q12.1.
Variant type: single nucleotide variant.
Coding change: c.661A>C on transcript NM_007194.4 (MANE Select); coding-DNA position 661, A replaced by C.
Protein change: p.Ile221Leu; replaces isoleucine 221 with leucine.
Molecular consequence: missense variant. On other transcripts: 5 prime UTR variant (2), intron variant (1).
Genome position (GRCh38, 1-based): chr22:28,719,417, T>G on the plus strand (A>C on the coding strand, the complement: CHEK2 is on the minus strand). VCF-style: chr22-28719417-T-G. GRCh37 (hg19) VCF-style: chr22-29115405-T-G.
Other names: c.790A>C, p.Ile264Leu (NM_001005735.3, NM_001438294.1); c.-3A>C (NM_001257387.3, NM_001437942.1); c.754A>C, p.Ile252Leu (NM_001438293.1, NM_001438295.1); c.661A>C, p.Ile221Leu (NM_145862.3); c.482+5469A>C (NM_001349956.3); short protein forms I221L, I264L, I252L.
Identifiers: ClinVar variation 460849 (VCV000460849.9), dbSNP rs199749372, ClinGen allele CA411104915.

ClinVar aggregate classification (germline): Uncertain significance (1 of 4 stars; one submission).

Conditions:
Familial cancer of breast. Also called: BREAST CANCER, FAMILIAL; Hereditary breast cancer; hereditary breast carcinoma. Identifiers: Orphanet 227535, MedGen C0346153, MONDO:0016419, OMIM 114480. Disease mechanism: loss of function.

Submission:

Labcorp Genetics (formerly Invitae), Labcorp
Classification: Uncertain significance for Familial cancer of breast. Last evaluated: 2022-05-24. Review status: criteria provided, single submitter. Criteria: Invitae Variant Classification Sherloc (09022015). Collection method: clinical testing. Allele origin: germline.
Comment: In summary, the available evidence is currently insufficient to determine the role of this variant in disease. Therefore, it has been classified as a Variant of Uncertain Significance. Algorithms developed to predict the effect of missense changes on protein structure and function (SIFT, PolyPhen-2, Align-GVGD) all suggest that this variant is likely to be tolerated. ClinVar contains an entry for this variant (Variation ID: 460849). This variant has not been reported in the literature in individuals affected with CHEK2-related conditions. This variant is not present in population databases (gnomAD no frequency). This sequence change replaces isoleucine, which is neutral and non-polar, with leucine, which is neutral and non-polar, at codon 221 of the CHEK2 protein (p.Ile221Leu).